The following is an entry in ClinVar:

NM_014989.7(RIMS1):c.4199G>A (p.Ser1400Asn)

Gene: RIMS1 (regulating synaptic membrane exocytosis 1; plus strand). Cytogenetic location: 6q13.
Variant type: single nucleotide variant.
Coding change: c.4199G>A on transcript NM_014989.7 (MANE Select); coding-DNA position 4199, G replaced by A.
Protein change: p.Ser1400Asn; replaces serine 1400 with asparagine.
Molecular consequence: missense variant. On other transcripts: intron variant (24).
Genome position (GRCh38, 1-based): chr6:72,333,668, G>A. VCF-style: chr6-72333668-G-A. GRCh37 (hg19) VCF-style: chr6-73043371-G-A.
Other names: c.2018G>A, p.Ser673Asn (NM_001350421.2); c.1907G>A, p.Ser636Asn (NM_001350423.2); c.2117G>A, p.Ser706Asn (NM_001350425.2); c.1937G>A, p.Ser646Asn (NM_001350429.2); c.2255G>A, p.Ser752Asn (NM_001350431.2); c.2246G>A, p.Ser749Asn (NM_001350433.2); c.2108G>A, p.Ser703Asn (NM_001350435.2); c.2351G>A, p.Ser784Asn (NM_001350436.2); and 53 more; short protein forms S630N, S636N, S640N, S645N, S722N, S739N, S749N, S752N.
Identifiers: ClinVar variation 2111072 (VCV002111072.4), dbSNP rs370041603, ClinGen allele CA3886465.

ClinVar aggregate classification (germline): Uncertain significance (1 of 4 stars; one submission).

Allele frequency attached by ClinVar (database versions not stated): TOPMed 0.00002; gnomAD 0.00003; ExAC 0.00004; ESP Exome Variant Server 0.00016.

Submission:

Labcorp Genetics (formerly Invitae), Labcorp
Classification: Uncertain significance. Last evaluated: 2023-01-11. Review status: criteria provided, single submitter. Criteria: Invitae Variant Classification Sherloc (09022015). Collection method: clinical testing. Allele origin: germline.
Comment: In summary, the available evidence is currently insufficient to determine the role of this variant in disease. Therefore, it has been classified as a Variant of Uncertain Significance. Algorithms developed to predict the effect of missense changes on protein structure and function (SIFT, PolyPhen-2, Align-GVGD) all suggest that this variant is likely to be disruptive. This variant has not been reported in the literature in individuals affected with RIMS1-related conditions. The frequency data for this variant in the population databases is considered unreliable, as metrics indicate poor data quality at this position in the gnomAD database. This sequence change replaces serine, which is neutral and polar, with asparagine, which is neutral and polar, at codon 1400 of the RIMS1 protein (p.Ser1400Asn).